The following is an entry in ClinVar:

NM_030780.5(SLC25A32):c.392-1G>A

Gene: SLC25A32 (solute carrier family 25 member 32; minus strand). Cytogenetic location: 8q22.3.
Variant type: single nucleotide variant.
Coding change: c.392-1G>A on transcript NM_030780.5 (MANE Select); the canonical splice acceptor site of the intron before coding-DNA position 392, G replaced by A.
Molecular consequence: splice acceptor variant.
Genome position (GRCh38, 1-based): chr8:103,403,325, C>T on the plus strand (G>A on the coding strand, the complement: SLC25A32 is on the minus strand). VCF-style: chr8-103403325-C-T. GRCh37 (hg19) VCF-style: chr8-104415553-C-T.
Identifiers: ClinVar variation 2867709 (VCV002867709.3), dbSNP rs769946929, ClinGen allele CA4835477.
Genomic context (GRCh38, chr8:103,403,325, plus strand): 5'-GTAACATAAGGCGAGTTTTTGTTACCCATAATGGGTTTGTAATGCAGAGGGTCATGGCTC[C>T]TAAAATGAGATTTCAATAAGATTATTCAGCATACAGATACTTTCGCACTTATGACAACCC-3'

ClinVar aggregate classification (germline): Uncertain significance (1 of 4 stars; one submission).

Allele frequency attached by ClinVar (database versions not stated): ExAC 0.00002.

Submission:

Labcorp Genetics (formerly Invitae), Labcorp
Classification: Uncertain significance. Last evaluated: 2023-12-18. Review status: criteria provided, single submitter. Criteria: Invitae Variant Classification Sherloc (09022015). Collection method: clinical testing. Allele origin: germline.
Comment: This sequence change affects an acceptor splice site in intron 3 of the SLC25A32 gene. It is expected to disrupt RNA splicing. Variants that disrupt the donor or acceptor splice site typically lead to a loss of protein function (PMID: 16199547), however the current clinical and genetic evidence is not sufficient to establish whether loss-of-function variants in SLC25A32 cause disease. This variant is present in population databases (rs769946929, gnomAD 0.003%). This variant has not been reported in the literature in individuals affected with SLC25A32-related conditions. Algorithms developed to predict the effect of sequence changes on RNA splicing suggest that this variant may disrupt the consensus splice site. In summary, the available evidence is currently insufficient to determine the role of this variant in disease. Therefore, it has been classified as a Variant of Uncertain Significance.

Literature cited by the submitters: PubMed 16199547.